The following is an entry in ClinVar:

NM_001039960.3(SLC4A8):c.2172+4815G>A

Gene: SLC4A8 (solute carrier family 4 member 8; plus strand). Cytogenetic location: 12q13.13.
Variant type: single nucleotide variant.
Coding change: c.2172+4815G>A on transcript NM_001039960.3 (MANE Select); 4815 bases into the intron after coding-DNA position 2172, G replaced by A.
Molecular consequence: intron variant. On other transcripts: synonymous variant (2).
Genome position (GRCh38, 1-based): chr12:51,480,021, G>A. VCF-style: chr12-51480021-G-A. GRCh37 (hg19) VCF-style: chr12-51873805-G-A.
Other names: c.2043G>A, p.Glu681= (NM_001258403.2, NM_001405266.1); c.2136+4815G>A (NM_001405270.1); c.2013+4815G>A (NM_001258401.3); c.2172+4815G>A (NM_001405268.1).
Identifiers: ClinVar variation 3389967 (VCV003389967.14).

ClinVar aggregate classification (germline): Likely benign (1 of 4 stars; one submission).

Submission:

CeGaT Center for Human Genetics Tuebingen
Classification: Likely benign. Last evaluated: 2024-10-01. Review status: criteria provided, single submitter. Criteria: CeGaT Center For Human Genetics Tuebingen Variant Classification Criteria Version 2. Collection method: clinical testing. Allele origin: germline. Affected: yes. Observed: 1 variant allele.
Comment: SLC4A8: PM2:Supporting, BP4, BP7